The following is an entry in ClinVar:

ClinVar aggregate classification (germline): Uncertain significance (1 of 4 stars; one submission).

gnomAD v4.1: 20 of 1,614,118 alleles (0.0012%); highest among the groups gnomAD compares: Admixed American, 0.0017%; no homozygotes.

Submission:

Labcorp Genetics (formerly Invitae), Labcorp
Classification: Uncertain significance. Last evaluated: 2024-02-17. Review status: criteria provided, single submitter. Criteria: Invitae Variant Classification Sherloc (09022015). Collection method: clinical testing. Allele origin: germline.
Comment: This sequence change replaces proline, which is neutral and non-polar, with serine, which is neutral and polar, at codon 1040 of the ZMIZ1 protein (p.Pro1040Ser). This variant is present in population databases (rs774159553, gnomAD 0.003%). This variant has not been reported in the literature in individuals affected with ZMIZ1-related conditions. Advanced modeling of protein sequence and biophysical properties (such as structural, functional, and spatial information, amino acid conservation, physicochemical variation, residue mobility, and thermodynamic stability) performed at Invitae indicates that this missense variant is expected to disrupt ZMIZ1 protein function with a positive predictive value of 80%. In summary, the available evidence is currently insufficient to determine the role of this variant in disease. Therefore, it has been classified as a Variant of Uncertain Significance.

NM_020338.4(ZMIZ1):c.3118C>T (p.Pro1040Ser)

Gene: ZMIZ1 (zinc finger MIZ-type containing 1; plus strand). Cytogenetic location: 10q22.3.
Variant type: single nucleotide variant.
Coding change: c.3118C>T on transcript NM_020338.4 (MANE Select); coding-DNA position 3118, C replaced by T.
Protein change: p.Pro1040Ser; replaces proline 1040 with serine.
Molecular consequence: missense variant.
Genome position (GRCh38, 1-based): chr10:79,312,663, C>T. VCF-style: chr10-79312663-C-T. GRCh37 (hg19) VCF-style: chr10-81072420-C-T.
Other names: short protein forms P1040S.
Identifiers: ClinVar variation 3624522 (VCV003624522.2).